The following is an entry in ClinVar:

ClinVar aggregate classification (germline): Pathogenic/Likely pathogenic. Review status: criteria provided, multiple submitters, no conflicts (2 of 4 stars). 7 submissions from 7 submitters: Pathogenic (3); Likely pathogenic (2). 2 of the submissions do not count toward it. Last evaluated 2025-09-04.

Conditions:
Retinal dystrophy. Also called: Inherited retinal dystrophy. Identifiers: Orphanet 71862, MedGen C0854723, MeSH D058499, MONDO:0019118, HP:0000556.
Severe early-childhood-onset retinal dystrophy (STGD1). Also called: Stargardt macular dystrophy; Juvenile onset macular degeneration; Stargardt disease 1; MACULAR DYSTROPHY WITH FLECKS, TYPE 1; STGD. Identifiers: Orphanet 364055, Orphanet 827, MedGen C1855465, MeSH D000080362, MONDO:0009549, OMIM 248200.
Retinitis pigmentosa (RP). Identifiers: Orphanet 791, MedGen C0035334, MeSH D012174, MONDO:0019200, OMIM 268000. Inheritance: Autosomal dominant, autosomal recessive and X linked inheritance.
ABCA4-related disorder. Also called: ABCA4-related condition; ABCA4-related disorders. Identifiers: MedGen CN239167.

Allele frequency attached by ClinVar (database versions not stated): gnomAD exomes below 0.00001; TOPMed below 0.00001.
gnomAD v4.1: 9 of 1,614,016 alleles (0.00056%); highest among the groups gnomAD compares: African/African-American, 0.0013%; no homozygotes.

Submissions (7):

Women's Health and Genetics/Laboratory Corporation of America, LabCorp
Classification: Pathogenic for Retinitis pigmentosa. Last evaluated: 2025-09-04. Review status: criteria provided, single submitter. Criteria: LabCorp Variant Classification Summary - May 2015. Collection method: clinical testing. Allele origin: germline.
Comment: Variant summary: ABCA4 c.2947A>G (p.Thr983Ala) results in a non-conservative amino acid change in the encoded protein sequence. Algorithms developed to predict the effect of missense changes on protein structure and function all suggest that this variant is likely to be disruptive. The variant allele was found at a frequency of 4e-06 in 251492 control chromosomes (gnomAD). c.2947A>G has been observed in multiple individuals affected with Stargardt Disease (Ernest_2009, Bax_2019, Lambertus_2014). These data indicate that the variant is very likely to be associated with disease. At least one publication reports experimental evidence evaluating an impact on protein function and this variant affected ABCA4 protein function (Molday_2018). The following publications have been ascertained in the context of this evaluation (PMID: 30903310, 20029649, 25444351, 29145636). ClinVar contains an entry for this variant (Variation ID: 838547). Based on the evidence outlined above, the variant was classified as pathogenic.

Blueprint Genetics
Classification: Pathogenic for ABCA4-related disorders. Last evaluated: 2024-06-13. Review status: criteria provided, single submitter. Criteria: ACMG Guidelines, 2015. Collection method: clinical testing. Allele origin: germline. Affected: yes. Observed: 4 variant alleles.

Labcorp Genetics (formerly Invitae), Labcorp
Classification: Pathogenic. Last evaluated: 2024-02-23. Review status: criteria provided, single submitter. Criteria: Invitae Variant Classification Sherloc (09022015). Collection method: clinical testing. Allele origin: germline.
Comment: This sequence change replaces threonine, which is neutral and polar, with alanine, which is neutral and non-polar, at codon 983 of the ABCA4 protein (p.Thr983Ala). This variant is present in population databases (no rsID available, gnomAD 0.0009%). This missense change has been observed in individuals with clinical features of ABCA4-related inherited retinal dystrophies (PMID: 25066811, 25444351, 30029497). ClinVar contains an entry for this variant (Variation ID: 838547). Advanced modeling of protein sequence and biophysical properties (such as structural, functional, and spatial information, amino acid conservation, physicochemical variation, residue mobility, and thermodynamic stability) performed at Invitae indicates that this missense variant is expected to disrupt ABCA4 protein function with a positive predictive value of 95%. Experimental studies have shown that this missense change affects ABCA4 function (PMID: 29145636). This variant disrupts the p.Thr983 amino acid residue in ABCA4. Other variant(s) that disrupt this residue have been observed in individuals with ABCA4-related conditions (PMID: 29925512), which suggests that this may be a clinically significant amino acid residue. For these reasons, this variant has been classified as Pathogenic.

Institute of Medical Molecular Genetics, University of Zurich
Classification: Likely pathogenic for Severe early-childhood-onset retinal dystrophy. Last evaluated: 2021-01-30. Review status: criteria provided, single submitter. Criteria: ACMG Guidelines, 2015. Collection method: clinical testing. Allele origin: unknown. Affected: yes.

Institute of Human Genetics, Univ. Regensburg, Univ. Regensburg
Classification: Likely pathogenic for Retinal dystrophy. Last evaluated: 2020-01-01. Review status: criteria provided, single submitter. Criteria: ACMG Guidelines, 2015. Collection method: clinical testing. Allele origin: germline. Affected: yes.

Diagnostic Laboratory, Department of Genetics, University Medical Center Groningen
Classification: Likely pathogenic. Review status: no assertion criteria provided. Collection method: clinical testing. Allele origin: germline. Affected: yes. Study: VKGL Data-share Consensus. Not counted in ClinVar's aggregate classification.

Joint Genome Diagnostic Labs from Nijmegen and Maastricht, Radboudumc and MUMC+
Classification: Likely pathogenic. Review status: no assertion criteria provided. Collection method: clinical testing. Allele origin: germline. Affected: yes. Study: VKGL Data-share Consensus. Not counted in ClinVar's aggregate classification.

Literature cited by the submitters: PubMed 25444351 (cited by Women's Health and Genetics/Laboratory Corporation of America, LabCorp and Labcorp Genetics (formerly Invitae), Labcorp); PubMed 30903310 (cited by Women's Health and Genetics/Laboratory Corporation of America, LabCorp); PubMed 20029649 (cited by Women's Health and Genetics/Laboratory Corporation of America, LabCorp and Institute of Human Genetics, Univ. Regensburg, Univ. Regensburg); PubMed 29145636 (cited by Women's Health and Genetics/Laboratory Corporation of America, LabCorp and Labcorp Genetics (formerly Invitae), Labcorp); PubMed 25066811 (cited by Labcorp Genetics (formerly Invitae), Labcorp); PubMed 30029497 (cited by Labcorp Genetics (formerly Invitae), Labcorp and Institute of Human Genetics, Univ. Regensburg, Univ. Regensburg); PubMed 29925512 (cited by Labcorp Genetics (formerly Invitae), Labcorp); PubMed 30215852 (cited by Institute of Human Genetics, Univ. Regensburg, Univ. Regensburg); PubMed 31964843 (cited by Institute of Human Genetics, Univ. Regensburg, Univ. Regensburg); PubMed 34426522 (cited by Institute of Human Genetics, Univ. Regensburg, Univ. Regensburg); PubMed 36460718 (cited by Institute of Human Genetics, Univ. Regensburg, Univ. Regensburg).

NM_000350.3(ABCA4):c.2947A>G (p.Thr983Ala)

Gene: ABCA4 (ATP binding cassette subfamily A member 4; minus strand). Cytogenetic location: 1p22.1.
Variant type: single nucleotide variant.
Coding change: c.2947A>G on transcript NM_000350.3 (MANE Select); coding-DNA position 2947, A replaced by G.
Protein change: p.Thr983Ala; replaces threonine 983 with alanine.
Molecular consequence: missense variant.
Genome position (GRCh38, 1-based): chr1:94,044,716, T>C on the plus strand (A>G on the coding strand, the complement: ABCA4 is on the minus strand). VCF-style: chr1-94044716-T-C. GRCh37 (hg19) VCF-style: chr1-94510272-T-C.
Other names: c.2725A>G, p.Thr909Ala (NM_001425324.1); short protein forms T983A, T909A.
Identifiers: ClinVar variation 838547 (VCV000838547.19), dbSNP rs1368508052, ClinGen allele CA341275224.